The following is an entry in ClinVar:

NM_032608.7(MYO18B):c.3754G>T (p.Ala1252Ser)

Gene: MYO18B (myosin XVIIIB; plus strand). Cytogenetic location: 22q12.1.
Variant type: single nucleotide variant.
Coding change: c.3754G>T on transcript NM_032608.7 (MANE Select); coding-DNA position 3754, G replaced by T.
Protein change: p.Ala1252Ser; replaces alanine 1252 with serine.
Molecular consequence: missense variant.
Genome position (GRCh38, 1-based): chr22:25,847,631, G>T. VCF-style: chr22-25847631-G-T. GRCh37 (hg19) VCF-style: chr22-26243598-G-T.
Other names: c.3757G>T, p.Ala1253Ser (NM_001318245.2); short protein forms A1252S, A1253S.
Identifiers: ClinVar variation 1992467 (VCV001992467.4), dbSNP rs2517593496, ClinGen allele CA411000925.

ClinVar aggregate classification (germline): Uncertain significance (1 of 4 stars; one submission).

Submission:

Labcorp Genetics (formerly Invitae), Labcorp
Classification: Uncertain significance. Last evaluated: 2022-05-09. Review status: criteria provided, single submitter. Criteria: Invitae Variant Classification Sherloc (09022015). Collection method: clinical testing. Allele origin: germline.
Comment: In summary, the available evidence is currently insufficient to determine the role of this variant in disease. Therefore, it has been classified as a Variant of Uncertain Significance. Algorithms developed to predict the effect of missense changes on protein structure and function are either unavailable or do not agree on the potential impact of this missense change (SIFT: "Not Available"; PolyPhen-2: "Benign"; Align-GVGD: "Not Available"). This variant has not been reported in the literature in individuals affected with MYO18B-related conditions. This variant is not present in population databases (gnomAD no frequency). This sequence change replaces alanine, which is neutral and non-polar, with serine, which is neutral and polar, at codon 1252 of the MYO18B protein (p.Ala1252Ser).